The following is an entry in ClinVar:

ClinVar aggregate classification (germline): Uncertain significance. Review status: criteria provided, multiple submitters, no conflicts (2 of 4 stars). 2 submissions from 2 submitters: Uncertain significance (2). Last evaluated 2022-04-30.

Allele frequency attached by ClinVar (database versions not stated): gnomAD 0.00001; TOPMed 0.00001.

Submissions (2):

Labcorp Genetics (formerly Invitae), Labcorp
Classification: Uncertain significance. Last evaluated: 2022-04-30. Review status: criteria provided, single submitter. Criteria: Invitae Variant Classification Sherloc (09022015). Collection method: clinical testing. Allele origin: germline.
Comment: This sequence change replaces glutamic acid, which is acidic and polar, with glycine, which is neutral and non-polar, at codon 53 of the TSEN54 protein (p.Glu53Gly). This variant is not present in population databases (gnomAD no frequency). This variant has not been reported in the literature in individuals affected with TSEN54-related conditions. Algorithms developed to predict the effect of missense changes on protein structure and function output the following: SIFT: "Deleterious"; PolyPhen-2: "Benign"; Align-GVGD: "Class C15". The glycine amino acid residue is found in multiple mammalian species, which suggests that this missense change does not adversely affect protein function. In summary, the available evidence is currently insufficient to determine the role of this variant in disease. Therefore, it has been classified as a Variant of Uncertain Significance.

GeneDx
Classification: Uncertain significance. Last evaluated: 2022-01-07. Review status: criteria provided, single submitter. Criteria: GeneDx Variant Classification Process June 2021. Collection method: clinical testing. Allele origin: germline. Affected: yes.
Comment: Not observed at significant frequency in large population cohorts (gnomAD); In silico analysis supports that this missense variant has a deleterious effect on protein structure/function; Has not been previously published as pathogenic or benign to our knowledge

NM_207346.3(TSEN54):c.158A>G (p.Glu53Gly)

Gene: TSEN54 (tRNA splicing endonuclease subunit 54; plus strand). Cytogenetic location: 17q25.1.
Variant type: single nucleotide variant.
Coding change: c.158A>G on transcript NM_207346.3 (MANE Select); coding-DNA position 158, A replaced by G.
Protein change: p.Glu53Gly; replaces glutamic acid 53 with glycine.
Molecular consequence: missense variant.
Genome position (GRCh38, 1-based): chr17:75,516,847, A>G. VCF-style: chr17-75516847-A-G. GRCh37 (hg19) VCF-style: chr17-73512928-A-G.
Other names: short protein forms E53G.
Identifiers: ClinVar variation 1695834 (VCV001695834.4), dbSNP rs1180659663, ClinGen allele CA401027112.